The following is an entry in ClinVar:

NM_000017.4(ACADS):c.364C>T (p.Leu122Phe)

Gene: ACADS (acyl-CoA dehydrogenase short chain; plus strand). Cytogenetic location: 12q24.31.
Variant type: single nucleotide variant.
Coding change: c.364C>T on transcript NM_000017.4 (MANE Select); coding-DNA position 364, C replaced by T.
Protein change: p.Leu122Phe; replaces leucine 122 with phenylalanine.
Molecular consequence: missense variant.
Genome position (GRCh38, 1-based): chr12:120,737,359, C>T. VCF-style: chr12-120737359-C-T. GRCh37 (hg19) VCF-style: chr12-121175162-C-T.
Other names: c.364C>T, p.Leu122Phe (NM_001302554.2); short protein forms L122F.
Identifiers: ClinVar variation 460386 (VCV000460386.8), dbSNP rs1555243946, ClinGen allele CA386614248.
Genomic context (GRCh38, chr12:120,737,359, plus strand): 5'-GGTGGGCAGGATGCGCCTGGGCCTGGGGCCTCCGACCGCTCCCCGCTGTCCTCCTAGTCT[C>T]TCTACCTGGGGCCCATCTTGAAGTTTGGCTCCAAGGAGCAGAAGCAGGCGTGGGTCACGC-3'
Protein context (NP_000008.1, residues 112-132): TGVIMSVNNS[Leu122Phe]YLGPILKFGS

ClinVar aggregate classification (germline): Uncertain significance (1 of 4 stars; one submission).

Conditions:
Deficiency of butyryl-CoA dehydrogenase (ACADSD). Also called: SCADH DEFICIENCY; SCAD DEFICIENCY, MILD; ACYL-CoA DEHYDROGENASE, SHORT-CHAIN, DEFICIENCY OF; ACADS DEFICIENCY; Short-Chain Acyl-CoA Dehydrogenase Deficiency; SCAD Deficiency. Identifiers: Orphanet 26792, MedGen C0342783, MONDO:0008722, OMIM 201470. Disease mechanism: May be benign.

Submission:

Labcorp Genetics (formerly Invitae), Labcorp
Classification: Uncertain significance for Deficiency of butyryl-CoA dehydrogenase. Last evaluated: 2017-05-04. Review status: criteria provided, single submitter. Criteria: Invitae Variant Classification Sherloc (09022015). Collection method: clinical testing. Allele origin: germline.
Comment: In summary, this variant is a novel missense change with uncertain impact on protein function. It has been classified as a Variant of Uncertain Significance. Algorithms developed to predict the effect of missense changes on protein structure and function do not agree on the potential impact of this missense change (SIFT: "Deleterious"; PolyPhen-2: "Probably Damaging"; Align-GVGD: "Class C15"). This variant is not present in population databases (ExAC no frequency) and has not been reported in the literature in individuals with a ACADS-related disease. This sequence change replaces leucine with phenylalanine at codon 122 of the ACADS protein (p.Leu122Phe). The leucine residue is highly conserved and there is a small physicochemical difference between leucine and phenylalanine.